The following is an entry in ClinVar:

GRCh38/hg38 16p12.2(chr16:21394007-21805222)x1

Genes: METTL9 (methyltransferase 9, His-X-His N1(pi)-histidine), MIR3680-1 (microRNA 3680-1), NPIPB3 (nuclear pore complex interacting protein family member B3; minus strand), IGSF6 (immunoglobulin superfamily member 6), OTOA (otoancorin) and 10 more. Cytogenetic location: 16p12.2.
Variant type: copy number loss.
Change: copy number 1 (one copy instead of two) of chr16:21,394,007-21,805,222 (411.2 kb, GRCh38 coordinates, 1-based), cytogenetic band 16p12.2.
Identifiers: ClinVar variation 4796331 (VCV004796331.1).

ClinVar aggregate classification (germline): Uncertain significance (1 of 4 stars; one submission).

Submission:

Medical Genetic Center, Changzhi Maternal and Child Health Care Hospital
Classification: Uncertain significance. Last evaluated: 2025-12-10. Review status: criteria provided, single submitter. Criteria: ACMG/ClinGen CNV Guidelines, 2019. Collection method: clinical testing. Allele origin: unknown.